The following is an entry in ClinVar:

ClinVar aggregate classification (germline): Uncertain significance (1 of 4 stars; one submission).

Conditions:
Brugada syndrome 8 (BRGDA8). Identifiers: Orphanet 130, MedGen C2751083, MONDO:0013148, OMIM 613123.

Allele frequency attached by ClinVar (database versions not stated): gnomAD 0.00001.
gnomAD v4.1: 1 of 1,560,128 alleles (0.000064%); highest among the groups gnomAD compares: African/African-American, 0.0014%; no homozygotes.

Submission:

Labcorp Genetics (formerly Invitae), Labcorp
Classification: Uncertain significance for Brugada syndrome 8. Last evaluated: 2025-11-17. Review status: criteria provided, single submitter. Criteria: Invitae Variant Classification Sherloc (09022015). Collection method: clinical testing. Allele origin: germline.
Comment: This sequence change replaces serine, which is neutral and polar, with threonine, which is neutral and polar, at codon 923 of the HCN4 protein (p.Ser923Thr). This variant is present in population databases (no rsID available, gnomAD 0.01%). This variant has not been reported in the literature in individuals affected with HCN4-related conditions. ClinVar contains an entry for this variant (Variation ID: 2966248). Invitae Evidence Modeling of protein sequence and biophysical properties (such as structural, functional, and spatial information, amino acid conservation, physicochemical variation, residue mobility, and thermodynamic stability) indicates that this missense variant is not expected to disrupt HCN4 protein function with a negative predictive value of 95%. In summary, the available evidence is currently insufficient to determine the role of this variant in disease. Therefore, it has been classified as a Variant of Uncertain Significance.

NM_005477.3(HCN4):c.2767T>A (p.Ser923Thr)

Gene: HCN4 (hyperpolarization activated cyclic nucleotide gated potassium channel 4; minus strand). Cytogenetic location: 15q24.1.
Variant type: single nucleotide variant.
Coding change: c.2767T>A on transcript NM_005477.3 (MANE Select); coding-DNA position 2767, T replaced by A.
Protein change: p.Ser923Thr; replaces serine 923 with threonine.
Molecular consequence: missense variant.
Genome position (GRCh38, 1-based): chr15:73,323,326, A>T on the plus strand (T>A on the coding strand, the complement: HCN4 is on the minus strand). VCF-style: chr15-73323326-A-T. GRCh37 (hg19) VCF-style: chr15-73615667-A-T.
Other names: short protein forms S923T.
Identifiers: ClinVar variation 2966248 (VCV002966248.3), dbSNP rs1241195017, ClinGen allele CA393088106.